The following is an entry in ClinVar:

NM_000441.2(SLC26A4):c.1164dup (p.Gly389fs)

Gene: SLC26A4 (solute carrier family 26 member 4; plus strand). Cytogenetic location: 7q22.3.
Variant type: Duplication.
Coding change: c.1164dup on transcript NM_000441.2 (MANE Select); coding-DNA position 1164, one base duplicated (T; older notation c.1164dupT).
Protein change: p.Gly389fs; shifts the reading frame from glycine 389.
Molecular consequence: frameshift variant.
Genome position (GRCh38, 1-based): chr7:107,690,138, T duplicated; the last of 3 consecutive T bases (chr7:107,690,136-107,690,138); duplicating any one gives the same sequence. VCF-style (leftmost placement, unchanged base first): chr7-107690135-C-CT. GRCh37 (hg19) VCF-style: chr7-107330580-C-CT.
Other names: SOLUTE CARRIER FAMILY 26, MEMBER 4; SLC26A4; short protein forms G389fs.
Identifiers: ClinVar variation 267322 (VCV000267322.11), dbSNP rs1554358720, ClinGen allele CA645372448.

ClinVar aggregate classification (germline): Pathogenic/Likely pathogenic. Review status: criteria provided, multiple submitters, no conflicts (2 of 4 stars). 5 submissions from 5 submitters: Pathogenic (2); Likely pathogenic (2). 1 of the submissions does not count toward it. Last evaluated 2026-01-19.

Conditions:
Autosomal recessive nonsyndromic hearing loss 4 (DFNB4). Also called: Nonsyndromic enlarged vestibular aqueduct (NSEVA); Deafness, autosomal recessive 4; NEUROSENSORY NONSYNDROMIC RECESSIVE DEAFNESS 4; FOXI1-Related Pendred Syndrome; KCNJ10-Related Pendred Syndrome; DEAFNESS, AUTOSOMAL RECESSIVE 4, WITH ENLARGED VESTIBULAR AQUEDUCT, DIGENIC. Identifiers: Orphanet 90636, MedGen C3538946, MONDO:0010933, OMIM 600791.
Hearing loss, autosomal recessive. Also called: Rare autosomal recessive non-syndromic sensorineural deafness type DFNB; Autosomal recessive nonsyndromic deafness; Deafness, autosomal recessive; Nonsyndromic Hearing Loss, Recessive. Identifiers: Orphanet 90635, Orphanet 90636, MedGen C1846647, MONDO:0019588, OMIM 607197.
Pendred syndrome (PDS). Also called: THYROID DYSHORMONOGENESIS 2B; THYROID HORMONOGENESIS, GENETIC DEFECT IN, 2B; GOITER-DEAFNESS SYNDROME; HYPOTHYROIDISM, CONGENITAL, DUE TO DYSHORMONOGENESIS, 2B; Pendred's syndrome; Pendred Syndrome (PDS). Identifiers: Orphanet 705, MedGen C0271829, MONDO:0010134, OMIM 274600.

Submissions (5):

Natera, Inc.
Classification: Likely pathogenic for Pendred syndrome. Last evaluated: 2026-01-19. Review status: criteria provided, single submitter. Criteria: Natera Variant Classification Schema (03/2026). Collection method: clinical testing. Allele origin: germline.
Comment: The c.1164dupT variant in SLC26A4 is a frameshift variant predicted to shift the reading frame beginning at codon 389 and leads to a stop codon 79 codons downstream. This variant is expected to result in nonsense mediated decay, truncation, or a dysfunctional protein product. This variant is rare in the general population with a frequency below the threshold expected for the associated phenotype(s). Given the available evidence, this variant is classified as Likely Pathogenic.

Labcorp Genetics (formerly Invitae), Labcorp
Classification: Pathogenic. Last evaluated: 2024-10-14. Review status: criteria provided, single submitter. Criteria: Invitae Variant Classification Sherloc (09022015). Collection method: clinical testing. Allele origin: germline.
Comment: This sequence change creates a premature translational stop signal (p.Gly389Trpfs*79) in the SLC26A4 gene. It is expected to result in an absent or disrupted protein product. Loss-of-function variants in SLC26A4 are known to be pathogenic (PMID: 16283880, 25394566, 26252218, 26445815). This variant is not present in population databases (gnomAD no frequency). This premature translational stop signal has been observed in individual(s) with deafness (PMID: 32417962). ClinVar contains an entry for this variant (Variation ID: 267322). Algorithms developed to predict the effect of sequence changes on RNA splicing suggest that this variant may disrupt the consensus splice site. For these reasons, this variant has been classified as Pathogenic.

Baylor Genetics
Classification: Pathogenic for Autosomal recessive nonsyndromic hearing loss 4. Last evaluated: 2023-10-23. Review status: criteria provided, single submitter. Criteria: ACMG Guidelines, 2015. Collection method: clinical testing. Allele origin: unknown.

Neuberg Centre For Genomic Medicine, NCGM
Classification: Likely pathogenic for Autosomal recessive nonsyndromic hearing loss 4. Review status: criteria provided, single submitter. Criteria: ACMG Guidelines, 2015. Collection method: clinical testing. Allele origin: germline. Inheritance: Autosomal recessive inheritance. Affected: yes.

Hereditary Hearing Loss Research Unit, University of Madras
Classification: Pathogenic for Hearing loss, autosomal recessive. Last evaluated: 2016-10-18. Review status: no assertion criteria provided. Collection method: clinical testing. Allele origin: inherited. Inheritance: Autosomal recessive inheritance. Affected: yes. Observed: 1 variant allele, 1 heterozygote. Not counted in ClinVar's aggregate classification.
Comment: This mutation causes Nonsense Mediated Decay (NMD), that truncates the fully functional pendrin protein of 780 aa to 466 amino acids length of non-functional mRNA

Literature cited by the submitters: PubMed 16283880 (cited by Labcorp Genetics (formerly Invitae), Labcorp); PubMed 25394566 (cited by Labcorp Genetics (formerly Invitae), Labcorp); PubMed 26252218 (cited by Labcorp Genetics (formerly Invitae), Labcorp); PubMed 26445815 (cited by Labcorp Genetics (formerly Invitae), Labcorp); PubMed 32417962 (cited by Labcorp Genetics (formerly Invitae), Labcorp).